The following is an entry in ClinVar:

NM_001256545.2(MEGF10):c.2033A>C (p.Asn678Thr)

Gene: MEGF10 (multiple EGF like domains 10; plus strand). Cytogenetic location: 5q23.2.
Variant type: single nucleotide variant.
Coding change: c.2033A>C on transcript NM_001256545.2 (MANE Select); coding-DNA position 2033, A replaced by C.
Protein change: p.Asn678Thr; replaces asparagine 678 with threonine.
Molecular consequence: missense variant.
Genome position (GRCh38, 1-based): chr5:127,435,418, A>C. VCF-style: chr5-127435418-A-C. GRCh37 (hg19) VCF-style: chr5-126771110-A-C.
Other names: c.2033A>C, p.Asn678Thr (NM_032446.3); short protein forms N678T.
Identifiers: ClinVar variation 947101 (VCV000947101.10), dbSNP rs1765522424, ClinGen allele CA360732583.
Genomic context (GRCh38, chr5:127,435,418, plus strand): 5'-CAGTGTGTCCCAGTGGCAGATTTGGGAAAAACTGTGCAGGAATTTGTACCTGCACCAACA[A>C]CGGAACCTGTAACCCCATTGACAGATCTTGTCAGTGTTACCCCGGTTGGATTGGCAGTGA-3'
Protein context (NP_001243474.1, residues 668-688): NCAGICTCTN[Asn678Thr]GTCNPIDRSC

ClinVar aggregate classification (germline): Uncertain significance (1 of 4 stars; one submission).

Conditions:
MEGF10-related myopathy (CMYO10A). Also called: Congenital myopathy 10A, severe variant. Identifiers: Orphanet 439212, MedGen C3280679, MONDO:0013731, OMIM 614399.

Submission:

Labcorp Genetics (formerly Invitae), Labcorp
Classification: Uncertain significance for MEGF10-related myopathy. Last evaluated: 2022-07-19. Review status: criteria provided, single submitter. Criteria: Invitae Variant Classification Sherloc (09022015). Collection method: clinical testing. Allele origin: germline.
Comment: In summary, the available evidence is currently insufficient to determine the role of this variant in disease. Therefore, it has been classified as a Variant of Uncertain Significance. Algorithms developed to predict the effect of missense changes on protein structure and function (SIFT, PolyPhen-2, Align-GVGD) all suggest that this variant is likely to be disruptive. ClinVar contains an entry for this variant (Variation ID: 947101). This variant has not been reported in the literature in individuals affected with MEGF10-related conditions. This variant is not present in population databases (gnomAD no frequency). This sequence change replaces asparagine, which is neutral and polar, with threonine, which is neutral and polar, at codon 678 of the MEGF10 protein (p.Asn678Thr).